The following is an entry in ClinVar:

NM_001267550.2(TTN):c.3976A>T (p.Lys1326Ter)

Genes: TTN (titin; minus strand), LOC101927055 (uncharacterized LOC101927055; plus strand). Cytogenetic location: 2q31.2.
Variant type: single nucleotide variant.
Coding change: c.3976A>T on transcript NM_001267550.2 (MANE Select); coding-DNA position 3976, A replaced by T.
Protein change: p.Lys1326Ter; replaces lysine 1326 with a stop codon.
Molecular consequence: nonsense.
Genome position (GRCh38, 1-based): chr2:178,779,106, T>A on the plus strand (A>T on the coding strand, the complement: TTN is on the minus strand). VCF-style: chr2-178779106-T-A. GRCh37 (hg19) VCF-style: chr2-179643833-T-A.
Other names: c.3976A>T, p.Lys1326Ter (NM_001256850.1, NM_133378.4, NM_133379.5); c.3838A>T, p.Lys1280Ter (NM_003319.4, NM_133432.3, NM_133437.4); short protein forms K1326*, K1280*.
Identifiers: ClinVar variation 3330046 (VCV003330046.3).

ClinVar aggregate classification (germline): Conflicting classifications of pathogenicity. Review status: criteria provided, conflicting classifications (1 of 4 stars). 2 submissions from 2 submitters: Likely pathogenic (1); Uncertain significance (1). Last evaluated 2025-02-25.

Conditions:
Cardiovascular phenotype. Identifiers: MedGen CN230736.

Submissions (2):

Ambry Genetics
Classification: Likely pathogenic for Cardiovascular phenotype. Last evaluated: 2025-02-25. Review status: criteria provided, single submitter. Criteria: Ambry Variant Classification Scheme 2023. Collection method: clinical testing. Allele origin: germline.
Comment: The p.K1280* variant (also known as c.3838A>T), located in coding exon 22 of the TTN gene, results from an A to T substitution at nucleotide position 3838. This changes the amino acid from a lysine to a stop codon within coding exon 22. This exon is located in the near Z-disk region of the N2-B isoform of the titin protein and is constitutively expressed in TTN transcripts (percent spliced in or PSI 100%). This variant was reported in individual(s) with features consistent with dilated cardiomyopathy (Ambry internal data). This variant is considered to be rare based on population cohorts in the Genome Aggregation Database (gnomAD). This variant is expected to result in loss of function by premature protein truncation or nonsense-mediated mRNA decay. While truncating variants in TTN are present in 1-3% of the general population, truncating variants in the A-band are the most common cause of dilated cardiomyopathy (Herman DS et al. N. Engl. J. Med., 2012 Feb;366:619-28; Roberts AM et al. Sci Transl Med, 2015 Jan;7:270ra6). TTN truncating variants encoded in constitutive exons (PSI >90%) have been found to be significantly associated with DCM regardless of their position in titin (Schafer S et al. Nat. Genet., 2017 01;49:46-53; Akhtar MM et al. Circ Heart Fail, 2020 Oct;13:e006832; Massier M et al. Clin Genet, 2025 Jan). Based on the majority of available evidence to date, this variant is likely to be pathogenic.

GeneDx
Classification: Uncertain significance. Last evaluated: 2024-07-30. Review status: criteria provided, single submitter. Criteria: GeneDx Variant Classification Process June 2021. Collection method: clinical testing. Allele origin: germline. Affected: yes.
Comment: Has not been previously published as pathogenic or benign to our knowledge; Not observed at significant frequency in large population cohorts (gnomAD); Nonsense variant predicted to result in protein truncation or nonsense mediated decay in a gene or region of a gene for which loss of function is not a well-established mechanism of disease